The following is an entry in ClinVar:

NM_001844.5(COL2A1):c.429+2T>C

Gene: COL2A1 (collagen type II alpha 1 chain; minus strand). Cytogenetic location: 12q13.11.
Variant type: single nucleotide variant.
Coding change: c.429+2T>C on transcript NM_001844.5 (MANE Select); the canonical splice donor site of the intron after coding-DNA position 429, T replaced by C.
Molecular consequence: splice donor variant.
Genome position (GRCh38, 1-based): chr12:47,997,869, A>G on the plus strand (T>C on the coding strand, the complement: COL2A1 is on the minus strand). VCF-style: chr12-47997869-A-G. GRCh37 (hg19) VCF-style: chr12-48391652-A-G.
Other names: c.222+2T>C (NM_033150.3).
Identifiers: ClinVar variation 4991172 (VCV004991172.1).

ClinVar aggregate classification (germline): Likely pathogenic (1 of 4 stars; one submission).

Conditions:
COL2A1-related disorder. Also called: COL2A1-related condition; COL2A1-related disorders.

Submission:

PreventionGenetics, part of Exact Sciences
Classification: Likely pathogenic for COL2A1-related condition. Last evaluated: 2025-09-03. Review status: criteria provided, single submitter. Criteria: ACMG Guidelines, 2015. Collection method: clinical testing. Allele origin: germline.
Comment: The COL2A1 c.429+2T>C variant is predicted to disrupt the GT donor site and interfere with normal splicing. To our knowledge, this variant has not been reported in the literature or in a large population database (gnomAD), indicating this variant is rare. Variants that disrupt the consensus splice donor site in COL2A1 are expected to be pathogenic. This variant is interpreted as likely pathogenic.